The following is an entry in ClinVar:

ClinVar aggregate classification (germline): Uncertain significance (1 of 4 stars; one submission).

Conditions:
HADHA-related disorder. Also called: HADHA-related condition; HADHA-related disorders.

gnomAD v4.1: 6 of 1,602,350 alleles (0.00037%); highest among the groups gnomAD compares: Non-Finnish European, 0.00051%; no homozygotes.

Submission:

PreventionGenetics, part of Exact Sciences
Classification: Uncertain significance for HADHA-related condition. Last evaluated: 2026-06-10. Review status: criteria provided, single submitter. Criteria: ACMG Guidelines, 2015. Collection method: clinical testing. Allele origin: germline.
Comment: The HADHA c.1970C>T variant is predicted to result in the amino acid substitution p.Ala657Val. To our knowledge, this variant has not been reported in the literature. This variant is reported in 0.00088% of alleles in individuals of European (Non-Finnish) descent in gnomAD. At this time, the clinical significance of this variant is uncertain due to the absence of conclusive functional and genetic evidence.

NM_000182.5(HADHA):c.1970C>T (p.Ala657Val)

Genes: GAREM2 (GRB2 associated regulator of MAPK1 subtype 2; plus strand), HADHA (hydroxyacyl-CoA dehydrogenase trifunctional multienzyme complex subunit alpha; minus strand). Cytogenetic location: 2p23.3.
Variant type: single nucleotide variant.
Coding change: c.1970C>T on transcript NM_000182.5 (MANE Select); coding-DNA position 1970, C replaced by T.
Protein change: p.Ala657Val; replaces alanine 657 with valine.
Molecular consequence: missense variant.
Genome position (GRCh38, 1-based): chr2:26,192,340, G>A on the plus strand (C>T on the coding strand, the complement: HADHA is on the minus strand). VCF-style: chr2-26192340-G-A. GRCh37 (hg19) VCF-style: chr2-26415209-G-A.
Other names: short protein forms A657V.
Identifiers: ClinVar variation 4979521 (VCV004979521.1).